The following is an entry in ClinVar:

ClinVar aggregate classification (germline): Uncertain significance (1 of 4 stars; one submission).

Conditions:
Ataxia-telangiectasia syndrome (AT). Also called: Ataxia-telangiectasia, complementation group E; Ataxia telangiectasia (A-T); LOUIS-BAR SYNDROME; Ataxia-telangiectasia, complementation group D; AT, COMPLEMENTATION GROUP C; Ataxia-telangiectasia. Identifiers: Orphanet 100, MedGen C0004135, MONDO:0008840, OMIM 208900.

Submission:

Labcorp Genetics (formerly Invitae), Labcorp
Classification: Uncertain significance for Ataxia-telangiectasia syndrome. Last evaluated: 2019-08-20. Review status: criteria provided, single submitter. Criteria: Invitae Variant Classification Sherloc (09022015). Collection method: clinical testing. Allele origin: germline.
Comment: In summary, the available evidence is currently insufficient to determine the role of this variant in disease. Therefore, it has been classified as a Variant of Uncertain Significance. Experimental studies and prediction algorithms are not available or were not evaluated for this variant, and the functional significance of this variant is currently unknown. Similar duplications have not been reported in the literature in individuals with ATM-related conditions. This variant results in a copy number gain of the genomic region encompassing exons 14-63 of the ATM gene. The 5' boundary is likely confined to intron 13. The 3' end of this event is unknown as it extends beyond the assayed region for this gene and therefore may encompass additional genes. As the precise location of this event is unknown, it may be in tandem or it may be located elsewhere in the genome.

NC_000011.10:g.(?_108256205)_(108365508_?)dup

Gene: ATM (ATM serine/threonine kinase; plus strand). Cytogenetic location: 11q22.3.
Variant type: Duplication.
Identifiers: ClinVar variation 833291 (VCV000833291.6).